The following is an entry in ClinVar:

NM_002474.3(MYH11):c.4900G>A (p.Asp1634Asn)

Genes: NDE1 (nudE neurodevelopment protein 1; plus strand), MYH11 (myosin heavy chain 11; minus strand). Cytogenetic location: 16p13.11.
Variant type: single nucleotide variant.
Coding change: c.4900G>A on transcript NM_002474.3 (MANE Select); coding-DNA position 4900, G replaced by A.
Protein change: p.Asp1634Asn; replaces aspartic acid 1634 with asparagine.
Molecular consequence: missense variant. On other transcripts: intron variant (2).
Genome position (GRCh38, 1-based): chr16:15,720,204, C>T on the plus strand (G>A on the coding strand, the complement: MYH11 is on the minus strand). VCF-style: chr16-15720204-C-T. GRCh37 (hg19) VCF-style: chr16-15814061-C-T.
Other names: c.4921G>A, p.Asp1641Asn (NM_001040114.2, NM_001040113.2); c.4900G>A, p.Asp1634Asn (NM_022844.3); c.948-3987C>T (NM_001143979.2, NM_017668.3); short protein forms D1634N, D1641N.
Identifiers: ClinVar variation 561304 (VCV000561304.17), dbSNP rs549820613, ClinGen allele CA7921515.

ClinVar aggregate classification (germline): Uncertain significance. Review status: criteria provided, multiple submitters, no conflicts (2 of 4 stars). 6 submissions from 6 submitters: Uncertain significance (6). Last evaluated 2025-12-08.

Conditions:
Aortic aneurysm, familial thoracic 4 (AAT4). Also called: AORTIC ANEURYSM/AORTIC DISSECTION AND PATENT DUCTUS ARTERIOSUS. Identifiers: MedGen C1851504, MONDO:0007568, OMIM 132900.
Megacystis-microcolon-intestinal hypoperistalsis syndrome 2. Identifiers: MedGen C5543476, MONDO:0025708, OMIM 619351.
Visceral myopathy 2. Identifiers: MedGen C5543466, MONDO:0859157, OMIM 619350.
Familial thoracic aortic aneurysm and aortic dissection (TAAD). Also called: Thoracic aortic aneurysms and dissections. Identifiers: Orphanet 91387, MedGen C4707243, MONDO:0019625.
Connective tissue disorder. Also called: Connective tissue disease. Identifiers: MedGen C0009782, MONDO:0003900.

Allele frequency attached by ClinVar (database versions not stated): TOPMed 0.00002; gnomAD exomes 0.00003 and 0.00004; gnomAD 0.00004 and 0.00005; ExAC 0.00006; 1000 Genomes Project 30x 0.00016; 1000 Genomes Project 0.00020.
gnomAD v4.1: 52 of 1,614,118 alleles (0.0032%); highest among the groups gnomAD compares: East Asian, 0.016%; no homozygotes.

Submissions (6):

Labcorp Genetics (formerly Invitae), Labcorp
Classification: Uncertain significance for Aortic aneurysm, familial thoracic 4. Last evaluated: 2025-12-08. Review status: criteria provided, single submitter. Criteria: Invitae Variant Classification Sherloc (09022015). Collection method: clinical testing. Allele origin: germline.
Comment: This sequence change replaces aspartic acid, which is acidic and polar, with asparagine, which is neutral and polar, at codon 1641 of the MYH11 protein (p.Asp1641Asn). This variant is present in population databases (rs549820613, gnomAD 0.008%). This variant has not been reported in the literature in individuals affected with MYH11-related conditions. ClinVar contains an entry for this variant (Variation ID: 561304). Invitae Evidence Modeling of protein sequence and biophysical properties (such as structural, functional, and spatial information, amino acid conservation, physicochemical variation, residue mobility, and thermodynamic stability) indicates that this missense variant is not expected to disrupt MYH11 protein function with a negative predictive value of 95%. In summary, the available evidence is currently insufficient to determine the role of this variant in disease. Therefore, it has been classified as a Variant of Uncertain Significance.

All of Us Research Program, National Institutes of Health
Classification: Uncertain significance for Familial thoracic aortic aneurysm and aortic dissection. Last evaluated: 2024-09-23. Review status: criteria provided, single submitter. Criteria: ACMG Guidelines, 2015. Collection method: clinical testing. Allele origin: germline. Inheritance: Autosomal dominant inheritance. Observed: 10 variant alleles, 10 heterozygotes.
Comment: This missense variant replaces aspartic acid with asparagine at codon 1641 of the MYH11 protein. Computational prediction suggests that this variant may not impact protein structure and function (internally defined REVEL score threshold <= 0.5, PMID: 27666373). To our knowledge, functional studies have not been reported for this variant. This variant has not been reported in individuals affected with cardiovascular disorders in the literature. This variant has been identified in 10/282844 chromosomes in the general population by the Genome Aggregation Database (gnomAD). The available evidence is insufficient to determine the role of this variant in disease conclusively. Therefore, this variant is classified as a Variant of Uncertain Significance.

This study involves interpretation of variants in research participants for the purpose of population health screening. Participant phenotype was not available at the time of variant classification. Additional details can be found in publication PMID: 35346344, PMCID: PMC8962531

Color Diagnostics, LLC DBA Color Health
Classification: Uncertain significance for Familial thoracic aortic aneurysm and aortic dissection. Last evaluated: 2024-03-06. Review status: criteria provided, single submitter. Criteria: ACMG Guidelines, 2015. Collection method: clinical testing. Allele origin: germline.
Comment: This missense variant replaces aspartic acid with asparagine at codon 1641 of the MYH11 protein. Computational prediction suggests that this variant may not impact protein structure and function (internally defined REVEL score threshold <= 0.5, PMID: 27666373). To our knowledge, functional studies have not been reported for this variant. This variant has not been reported in individuals affected with MYH11-related disorders in the literature. This variant has been identified in 10/282844 chromosomes in the general population by the Genome Aggregation Database (gnomAD). The available evidence is insufficient to determine the role of this variant in disease conclusively. Therefore, this variant is classified as a Variant of Uncertain Significance.

Fulgent Genetics
Classification: Uncertain significance for Aortic aneurysm, familial thoracic 4; Visceral myopathy 2; Megacystis-microcolon-intestinal hypoperistalsis syndrome 2. Last evaluated: 2021-10-12. Review status: criteria provided, single submitter. Criteria: ACMG Guidelines, 2015. Collection method: clinical testing. Allele origin: unknown.

GeneDx
Classification: Uncertain significance. Last evaluated: 2020-03-27. Review status: criteria provided, single submitter. Criteria: GeneDx Variant Classification Process June 2021. Collection method: clinical testing. Allele origin: germline. Affected: yes.
Comment: Has not been previously published as pathogenic or benign to our knowledge; Reported in ClinVar as a variant of uncertain significance (ClinVar Variant ID# 561304; Landrum et al., 2016); In silico analysis, which includes protein predictors and evolutionary conservation, supports that this variant does not alter protein structure/function

Center for Human Genetics, Inc
Classification: Uncertain significance for Connective tissue disorder. Last evaluated: 2018-06-01. Review status: criteria provided, single submitter. Criteria: ACMG Guidelines, 2015. Collection method: clinical testing. Allele origin: germline. Affected: yes.